The following is an entry in ClinVar:

ClinVar aggregate classification (germline): Uncertain significance (1 of 4 stars; one submission).

Conditions:
Mosaic variegated aneuploidy syndrome 1 (MVA1). Also called: Warburton-Anyane-Yeboa syndrome. Identifiers: Orphanet 1052, MedGen C1850343, MONDO:0009759, OMIM 257300.

Allele frequency attached by ClinVar (database versions not stated): gnomAD exomes below 0.00001; TOPMed below 0.00001; gnomAD 0.00001; ESP Exome Variant Server 0.00008.
gnomAD v4.1: 8 of 1,612,180 alleles (0.0005%); highest among the groups gnomAD compares: African/African-American, 0.004%; no homozygotes.

Submission:

Labcorp Genetics (formerly Invitae), Labcorp
Classification: Uncertain significance for Mosaic variegated aneuploidy syndrome 1. Last evaluated: 2021-05-27. Review status: criteria provided, single submitter. Criteria: Invitae Variant Classification Sherloc (09022015). Collection method: clinical testing. Allele origin: germline.
Comment: In summary, the available evidence is currently insufficient to determine the role of this variant in disease. Therefore, it has been classified as a Variant of Uncertain Significance. Algorithms developed to predict the effect of missense changes on protein structure and function (SIFT, PolyPhen-2, Align-GVGD) all suggest that this variant is likely to be tolerated, but these predictions have not been confirmed by published functional studies and their clinical significance is uncertain. This variant has not been reported in the literature in individuals with BUB1B-related conditions. This variant is not present in population databases (ExAC no frequency). This sequence change replaces proline with serine at codon 800 of the BUB1B protein (p.Pro800Ser). The proline residue is moderately conserved and there is a moderate physicochemical difference between proline and serine.

NM_001211.6(BUB1B):c.2398C>T (p.Pro800Ser)

Gene: BUB1B (BUB1 mitotic checkpoint serine/threonine kinase B; plus strand). Cytogenetic location: 15q15.1.
Variant type: single nucleotide variant.
Coding change: c.2398C>T on transcript NM_001211.6 (MANE Select); coding-DNA position 2398, C replaced by T.
Protein change: p.Pro800Ser; replaces proline 800 with serine.
Molecular consequence: missense variant.
Genome position (GRCh38, 1-based): chr15:40,212,511, C>T. VCF-style: chr15-40212511-C-T. GRCh37 (hg19) VCF-style: chr15-40504712-C-T.
Other names: short protein forms P800S.
Identifiers: ClinVar variation 1371706 (VCV001371706.8), dbSNP rs139226455, ClinGen allele CA268802937.